The following is an entry in ClinVar:

ClinVar aggregate classification (germline): Uncertain significance. Review status: criteria provided, multiple submitters, no conflicts (2 of 4 stars). 2 submissions from 2 submitters: Uncertain significance (2). Last evaluated 2025-12-14.

Conditions:
Brachyolmia-amelogenesis imperfecta syndrome. Also called: PLATYSPONDYLY WITH AMELOGENESIS IMPERFECTA; Tooth agenesis, selective, 6; Dental anomalies and short stature. Identifiers: Orphanet 2899, MedGen C1832594, MONDO:0011018, OMIM 601216. Disease mechanism: loss of function.

Allele frequency attached by ClinVar (database versions not stated): TOPMed below 0.00001; gnomAD 0.00001; gnomAD exomes 0.00001.
gnomAD v4.1: 4 of 1,614,036 alleles (0.00025%); highest among the groups gnomAD compares: Admixed American, 0.0067%; no homozygotes.

Submissions (2):

Labcorp Genetics (formerly Invitae), Labcorp
Classification: Uncertain significance for Brachyolmia-amelogenesis imperfecta syndrome. Last evaluated: 2025-12-14. Review status: criteria provided, single submitter. Criteria: Invitae Variant Classification Sherloc (09022015). Collection method: clinical testing. Allele origin: germline.
Comment: This sequence change replaces proline, which is neutral and non-polar, with leucine, which is neutral and non-polar, at codon 342 of the LTBP3 protein (p.Pro342Leu). This variant is not present in population databases (gnomAD no frequency). This variant has not been reported in the literature in individuals affected with LTBP3-related conditions. ClinVar contains an entry for this variant (Variation ID: 1391386). An algorithm developed to predict the effect of missense changes on protein structure and function (PolyPhen-2) suggests that this variant is likely to be disruptive. In summary, the available evidence is currently insufficient to determine the role of this variant in disease. Therefore, it has been classified as a Variant of Uncertain Significance.

GeneDx
Classification: Uncertain significance. Last evaluated: 2025-04-18. Review status: criteria provided, single submitter. Criteria: GeneDx Variant Classification Process June 2021. Collection method: clinical testing. Allele origin: germline. Affected: yes.
Comment: Not observed at significant frequency in large population cohorts (gnomAD); In silico analysis supports that this missense variant has a deleterious effect on protein structure/function; Has not been previously published as pathogenic or benign to our knowledge

NM_001130144.3(LTBP3):c.1025C>T (p.Pro342Leu)

Gene: LTBP3 (latent transforming growth factor beta binding protein 3; minus strand). Cytogenetic location: 11q13.1.
Variant type: single nucleotide variant.
Coding change: c.1025C>T on transcript NM_001130144.3 (MANE Select); coding-DNA position 1025, C replaced by T.
Protein change: p.Pro342Leu; replaces proline 342 with leucine.
Molecular consequence: missense variant.
Genome position (GRCh38, 1-based): chr11:65,553,202, G>A on the plus strand (C>T on the coding strand, the complement: LTBP3 is on the minus strand). VCF-style: chr11-65553202-G-A. GRCh37 (hg19) VCF-style: chr11-65320673-G-A.
Other names: c.674C>T, p.Pro225Leu (NM_001164266.1); c.1025C>T, p.Pro342Leu (NM_021070.4); c.1025C>T (NM_001130144.2); short protein forms P225L, P342L.
Identifiers: ClinVar variation 1391386 (VCV001391386.7), dbSNP rs1856674742, ClinGen allele CA381274808.
Genomic context (GRCh38, chr11:65,553,202, plus strand): 5'-AGAATCTCCTAGCTGGCCATACCCTGGCAGTGGGTGCTGTTAAGCCTCTTGTAGCCCTGG[G>A]GACAGTCAGCGCCCACTTCCCCACGTACAGGCCCTGGCTTCTGCACTCCTGTGTCTGCAG-3'
Protein context (NP_001123616.1, residues 332-352): PVRGEVGADC[Pro342Leu]QGYKRLNSTH